The following is an entry in ClinVar:

ClinVar aggregate classification (germline): Likely pathogenic (1 of 4 stars; one submission).

Conditions:
Trichorhinophalangeal dysplasia type I (TRPS1). Also called: TRICHORHINOPHALANGEAL SYNDROME, TYPE I; TRPS I. Identifiers: Orphanet 77258, MedGen C0432233, MONDO:0008596, OMIM 190350.

Submission:

Division of Clinical Genetics, Department of Pediatrics, Seoul National University Children's Hospital
Classification: Likely pathogenic for Trichorhinophalangeal dysplasia type I. Last evaluated: 2026-05-24. Review status: criteria provided, single submitter. Criteria: ACMG Guidelines, 2015. Collection method: clinical testing. Allele origin: germline. Affected: yes.
Comment: TRPS1 loss-of-function variants are an established cause of Trichorhinophalangeal syndrome, type I (TRPS1; OMIM #190350). The variant NM_014112.5:c.2508_2511delGACA is located in exon 5 of TRPS1 and results in a frameshift, predicted to lead to nonsense-mediated mRNA decay or a truncated non-functional protein, qualifying as a null variant (PVS1). This variant is absent from the general population in gnomAD v4.1.1 (PM2). Based on these findings, this variant is classified as Likely Pathogenic according to the ACMG/AMP variant interpretation guidelines (Richards et al., 2015, PMID:25741868).

NM_014112.5(TRPS1):c.2508_2511del (p.Thr837fs)

Gene: TRPS1 (transcriptional repressor GATA binding 1; minus strand). Cytogenetic location: 8q23.3.
Variant type: Deletion.
Coding change: c.2508_2511del on transcript NM_014112.5 (MANE Select); coding-DNA positions 2508 to 2511, 4 bases deleted (GACA; older notation c.2508_2511delGACA).
Protein change: p.Thr837fs; shifts the reading frame from threonine 837.
Molecular consequence: frameshift variant.
Genome position (GRCh38, 1-based): chr8:115,587,190-115,587,193, TGTC deleted on the plus strand (GACA on the coding strand, the reverse complement: TRPS1 is on the minus strand); deleting any 4 consecutive bases within chr8:115,587,190-115,587,195 gives the same sequence; the c. name uses the placement nearest the transcript's 3' end. VCF-style (leftmost placement, unchanged base first): chr8-115587189-TTGTC-T. GRCh37 (hg19) VCF-style: chr8-116599416-TTGTC-T.
Other names: c.2481_2484del, p.Thr828fs (NM_001282902.3); c.2487_2490del, p.Thr830fs (NM_001282903.3); c.2469_2472del, p.Thr824fs (NM_001330599.2); c.2508_2511delGACA (NM_014112.5); short protein forms T824fs, T828fs, T830fs, T837fs.
Identifiers: ClinVar variation 4851501 (VCV004851501.1).
Genomic context (GRCh38, chr8:115,587,189, plus strand): 5'-AGCCATAAATAGGTCGCGCCAGATGGGCGGCCTCCACATTGGGACTATCCCTTAGAGTCT[TTGTC>T]TGCTCTTGGGTGCCAGACACAGGCGTCAGCAGCCCCAGGCTTGCTTGGGTGTATGACGGA-3'